The following is an entry in ClinVar:

ClinVar aggregate classification (germline): Uncertain significance (1 of 4 stars; one submission).

Conditions:
Cardiovascular phenotype. Identifiers: MedGen CN230736.

Allele frequency attached by ClinVar (database versions not stated): gnomAD exomes below 0.00001; TOPMed below 0.00001.
gnomAD v4.1: 1 of 1,610,624 alleles (0.000062%); highest among the groups gnomAD compares: Non-Finnish European, 0.000085%; no homozygotes.

Submission:

Ambry Genetics
Classification: Uncertain significance for Cardiovascular phenotype. Last evaluated: 2021-07-12. Review status: criteria provided, single submitter. Criteria: Ambry Variant Classification Scheme 2023. Collection method: clinical testing. Allele origin: germline.
Comment: The p.P46L variant (also known as c.137C>T), located in coding exon 3 of the MFAP5 gene, results from a C to T substitution at nucleotide position 137. The proline at codon 46 is replaced by leucine, an amino acid with similar properties. This amino acid position is conserved. In addition, the in silico prediction for this alteration is inconclusive. Since supporting evidence is limited at this time, the clinical significance of this alteration remains unclear.

NM_003480.4(MFAP5):c.137C>T (p.Pro46Leu)

Gene: MFAP5 (microfibril associated protein 5; minus strand). Cytogenetic location: 12p13.31.
Variant type: single nucleotide variant.
Coding change: c.137C>T on transcript NM_003480.4 (MANE Select); coding-DNA position 137, C replaced by T.
Protein change: p.Pro46Leu; replaces proline 46 with leucine.
Molecular consequence: missense variant. On other transcripts: non-coding transcript variant (2).
Genome position (GRCh38, 1-based): chr12:8,655,788, G>A on the plus strand (C>T on the coding strand, the complement: MFAP5 is on the minus strand). VCF-style: chr12-8655788-G-A. GRCh37 (hg19) VCF-style: chr12-8808384-G-A.
Other names: c.137C>T, p.Pro46Leu (NM_001297709.2, NM_001297711.2, NM_001297712.2); c.101C>T, p.Pro34Leu (NM_001297710.2); short protein forms P34L, P46L.
Identifiers: ClinVar variation 1771250 (VCV001771250.2), dbSNP rs982337368, ClinGen allele CA232306476.
Genomic context (GRCh38, chr12:8,655,788, plus strand): 5'-TCCTTTATCTATCCCCAATAAAACAGCAAACAAACAAACAAACAAAAGTGTAGCTTACTA[G>A]GATCTTCTGTGAATGTTTCTGGAGTCGCTTGAGTCACATCGTCTGAAAAGAAAATTAGAA-3'
Protein context (NP_003471.1, residues 36-56): QATPETFTED[Pro46Leu]NLVNDPATDE